The following is an entry in ClinVar:

ClinVar aggregate classification (germline): Uncertain significance (1 of 4 stars; one submission).

Conditions:
Familial cold autoinflammatory syndrome 2 (FCAS2). Identifiers: Orphanet 247868, MedGen C2673198, MONDO:0012724, OMIM 611762.

Allele frequency attached by ClinVar (database versions not stated): gnomAD exomes below 0.00001; TOPMed 0.00001; gnomAD 0.00002.
gnomAD v4.1: 6 of 1,614,042 alleles (0.00037%); highest among the groups gnomAD compares: Admixed American, 0.0017%; no homozygotes.

Submission:

Labcorp Genetics (formerly Invitae), Labcorp
Classification: Uncertain significance for Familial cold autoinflammatory syndrome 2. Last evaluated: 2025-03-22. Review status: criteria provided, single submitter. Criteria: Invitae Variant Classification Sherloc (09022015). Collection method: clinical testing. Allele origin: germline.
Comment: This sequence change replaces arginine, which is basic and polar, with glutamine, which is neutral and polar, at codon 482 of the NLRP12 protein (p.Arg482Gln). This variant is not present in population databases (gnomAD no frequency). This variant has not been reported in the literature in individuals affected with NLRP12-related conditions. ClinVar contains an entry for this variant (Variation ID: 536932). Invitae Evidence Modeling of protein sequence and biophysical properties (such as structural, functional, and spatial information, amino acid conservation, physicochemical variation, residue mobility, and thermodynamic stability) indicates that this missense variant is not expected to disrupt NLRP12 protein function with a negative predictive value of 80%. In summary, the available evidence is currently insufficient to determine the role of this variant in disease. Therefore, it has been classified as a Variant of Uncertain Significance.

NM_144687.4(NLRP12):c.1445G>A (p.Arg482Gln)

Gene: NLRP12 (NLR family pyrin domain containing 12; minus strand). Cytogenetic location: 19q13.42.
Variant type: single nucleotide variant.
Coding change: c.1445G>A on transcript NM_144687.4 (MANE Select); coding-DNA position 1445, G replaced by A.
Protein change: p.Arg482Gln; replaces arginine 482 with glutamine.
Molecular consequence: missense variant.
Genome position (GRCh38, 1-based): chr19:53,810,214, C>T on the plus strand (G>A on the coding strand, the complement: NLRP12 is on the minus strand). VCF-style: chr19-53810214-C-T. GRCh37 (hg19) VCF-style: chr19-54313468-C-T.
Other names: c.1445G>A, p.Arg482Gln (NM_001277126.2, NM_001277129.1); short protein forms R482Q.
Identifiers: ClinVar variation 536932 (VCV000536932.8), dbSNP rs1185856650, ClinGen allele CA407413514.